The following is an entry in ClinVar:

ClinVar aggregate classification (germline): Pathogenic/Likely pathogenic. Review status: criteria provided, multiple submitters, no conflicts (2 of 4 stars). 3 submissions from 3 submitters: Pathogenic (1); Likely pathogenic (1). 1 of the submissions does not count toward it. Last evaluated 2024-02-22.

Conditions:
Hereditary fructosuria. Also called: Hereditary fructose intolerance; ALDOB DEFICIENCY; ALDOLASE B DEFICIENCY; FRUCTOSE-1,6-BISPHOSPHATE ALDOLASE B DEFICIENCY; FRUCTOSE-1-PHOSPHATE ALDOLASE DEFICIENCY; FRUCTOSEMIA. Identifiers: Orphanet 469, MedGen C0016751, MONDO:0009249, OMIM 229600, HP:0005973. Disease mechanism: loss of function.

Submissions (3):

Labcorp Genetics (formerly Invitae), Labcorp
Classification: Pathogenic for Hereditary fructosuria. Last evaluated: 2024-02-22. Review status: criteria provided, single submitter. Criteria: Invitae Variant Classification Sherloc (09022015). Collection method: clinical testing. Allele origin: germline.
Comment: This sequence change creates a premature translational stop signal (p.Leu84Serfs*26) in the ALDOB gene. It is expected to result in an absent or disrupted protein product. Loss-of-function variants in ALDOB are known to be pathogenic (PMID: 18541450). This variant is not present in population databases (gnomAD no frequency). This premature translational stop signal has been observed in individual(s) with hereditary fructose intolerance (PMID: 16406649). ClinVar contains an entry for this variant (Variation ID: 928611). For these reasons, this variant has been classified as Pathogenic.

Women's Health and Genetics/Laboratory Corporation of America, LabCorp
Classification: Likely pathogenic for Hereditary fructosuria. Last evaluated: 2019-08-05. Review status: criteria provided, single submitter. Criteria: LabCorp Variant Classification Summary - May 2015. Collection method: clinical testing. Allele origin: germline.
Comment: Variant summary: ALDOB c.250delC (p.Leu84SerfsX26) results in a premature termination codon, predicted to cause a truncation of the encoded protein or absence of the protein due to nonsense mediated decay, which are commonly known mechanisms for disease. Truncations downstream of this position have been classified as pathogenic by our laboratory. The variant was absent in 251350 control chromosomes. c.250delC has been reported in the literature in at-least two individuals affected with Hereditary Fructose Intolerance (Gruchota_2006). These data indicate that the variant may be associated with disease. To our knowledge, no experimental evidence demonstrating an impact on protein function has been reported. No clinical diagnostic laboratories have submitted clinical-significance assessments for this variant to ClinVar after 2014. Based on the evidence outlined above, the variant was classified as likely pathogenic.

ATS em Genética Clínica, Universidade Federal do Rio Grande do Sul
Classification: Likely pathogenic for Hereditary fructosuria. Last evaluated: 2021-03-18. Review status: no assertion criteria provided. Collection method: literature only. Allele origin: unknown. Affected: yes. Not counted in ClinVar's aggregate classification.

Literature cited by the submitters: PubMed 18541450 (cited by Labcorp Genetics (formerly Invitae), Labcorp); PubMed 16406649 (cited by 3 submitters); PubMed 20848650 (cited by Women's Health and Genetics/Laboratory Corporation of America, LabCorp).

NM_000035.4(ALDOB):c.250del (p.Leu84fs)

Gene: ALDOB (aldolase, fructose-bisphosphate B; minus strand). Cytogenetic location: 9q31.1.
Variant type: Deletion.
Coding change: c.250del on transcript NM_000035.4 (MANE Select); coding-DNA position 250, one base deleted (C; older notation c.250delC).
Protein change: p.Leu84fs; shifts the reading frame from leucine 84.
Molecular consequence: frameshift variant.
Genome position (GRCh38, 1-based): chr9:101,429,829, G deleted on the plus strand (C on the coding strand, the reverse complement: ALDOB is on the minus strand); the first of 3 consecutive G bases (chr9:101,429,829-101,429,831); deleting any one gives the same sequence. VCF-style (leftmost placement, unchanged base first): chr9-101429828-AG-A. GRCh37 (hg19) VCF-style: chr9-104192110-AG-A.
Other names: short protein forms L84fs.
Identifiers: ClinVar variation 928611 (VCV000928611.10), dbSNP rs1831190354, ClinGen allele CA1139661095.
Genomic context (GRCh38, chr9:101,429,828, plus strand): 5'-ACGATCCCCTTTTCCTTGAGGATGTTTCTGAACAGCTTTCCCTGGCTGTCCTTCTGGTAG[AG>A]GGTCTCGTGGAAAAGGATCACACCCCCGATGCTCTGGTTGATGGAACTGTCCACAGAGAA-3'